The following is an entry in ClinVar:

ClinVar aggregate classification (germline): Uncertain significance (1 of 4 stars; one submission).

Conditions:
Nephronophthisis 20 (NPHP20). Identifiers: MedGen C4310640, MONDO:0014997, OMIM 617271.

Submission:

Baylor Genetics
Classification: Uncertain significance for Nephronophthisis 20. Last evaluated: 2018-04-19. Review status: criteria provided, single submitter. Criteria: ACMG Guidelines, 2015. Collection method: clinical testing. Allele origin: unknown. Affected: yes.
Comment: This variant was determined to be of uncertain significance according to ACMG Guidelines, 2015 [PMID:25741868].

NM_014994.3(MAPKBP1):c.3998G>C (p.Ser1333Thr)

Gene: MAPKBP1 (mitogen-activated protein kinase binding protein 1; plus strand). Cytogenetic location: 15q15.1.
Variant type: single nucleotide variant.
Coding change: c.3998G>C on transcript NM_014994.3 (MANE Select); coding-DNA position 3998, G replaced by C.
Protein change: p.Ser1333Thr; replaces serine 1333 with threonine.
Molecular consequence: missense variant. On other transcripts: non-coding transcript variant (2), intron variant (1).
Genome position (GRCh38, 1-based): chr15:41,823,846, G>C. VCF-style: chr15-41823846-G-C. GRCh37 (hg19) VCF-style: chr15-42116044-G-C.
Other names: c.4016G>C, p.Ser1339Thr (NM_001128608.2); c.3383-638G>C (NM_001265611.2); short protein forms S1339T, S1333T.
Identifiers: ClinVar variation 1032647 (VCV001032647.1), dbSNP rs2065045118, ClinGen allele CA391877842.